The following is an entry in ClinVar:

ClinVar aggregate classification (germline): Conflicting classifications of pathogenicity. Review status: criteria provided, conflicting classifications (1 of 4 stars). 3 submissions from 3 submitters: Uncertain significance (2); Likely benign (1). Last evaluated 2025-11-06.

Conditions:
Hereditary cancer-predisposing syndrome. Also called: Tumor predisposition; Neoplastic Syndromes, Hereditary; Hereditary Cancer Syndrome; Hereditary neoplastic syndrome. Identifiers: Orphanet 140162, MedGen C0027672, MeSH D009386, MONDO:0015356.
Familial cancer of breast. Also called: Hereditary breast cancer; BREAST CANCER, FAMILIAL; hereditary breast carcinoma. Identifiers: Orphanet 227535, MedGen C0346153, MONDO:0016419, OMIM 114480. Disease mechanism: loss of function.

Submissions (3):

Labcorp Genetics (formerly Invitae), Labcorp
Classification: Uncertain significance for Familial cancer of breast. Last evaluated: 2025-11-06. Review status: criteria provided, single submitter. Criteria: Invitae Variant Classification Sherloc (09022015). Collection method: clinical testing. Allele origin: germline.
Comment: This sequence change replaces glutamic acid, which is acidic and polar, with lysine, which is basic and polar, at codon 748 of the BARD1 protein (p.Glu748Lys). This variant is not present in population databases (gnomAD no frequency). This variant has not been reported in the literature in individuals affected with BARD1-related conditions. ClinVar contains an entry for this variant (Variation ID: 243117). An algorithm developed to predict the effect of missense changes on protein structure and function (PolyPhen-2) suggests that this variant is likely to be tolerated. In summary, the available evidence is currently insufficient to determine the role of this variant in disease. Therefore, it has been classified as a Variant of Uncertain Significance.

Ambry Genetics
Classification: Likely benign for Hereditary cancer-predisposing syndrome. Last evaluated: 2025-07-22. Review status: criteria provided, single submitter. Criteria: Ambry Variant Classification Scheme 2023. Collection method: clinical testing. Allele origin: germline.

GeneDx
Classification: Uncertain significance. Last evaluated: 2015-12-31. Review status: criteria provided, single submitter. Criteria: GeneDx Variant Classification (06012015). Collection method: clinical testing. Allele origin: germline. Affected: yes.
Comment: This variant is denoted BARD1 c.2242G>A at the cDNA level, p.Glu748Lys (E748K) at the protein level, and results in the change of a Glutamic Acid to a Lysine (GAG>AAG). This variant was not observed in 196 breast and/or ovarian cancer families, but was present in 1/245 unselected controls (De Brakeleer 2010). BARD1 Glu748Lys was not observed in approximately 6,500 individuals of European and African American ancestry in the NHLBI Exome Sequencing Project, suggesting it is not a common benign variant in these populations. Since Glutamic Acid and Lysine differ in polarity, charge, size or other properties, this is considered a non-conservative amino acid substitution. BARD1 Glu748Lys occurs at a position that is conserved through mammals and is located in the BRCT2 domain (UniProt). In silico analyses are inconsistent regarding the effect this variant may have on protein structure and function. Based on currently available information, it is unclear whether BARD1 Glu748Lys is pathogenic or benign. We consider it to be a variant of uncertain significance.

NM_000465.4(BARD1):c.2242G>A (p.Glu748Lys)

Gene: BARD1 (BRCA1 associated RING domain 1; minus strand). Cytogenetic location: 2q35.
Variant type: single nucleotide variant.
Coding change: c.2242G>A on transcript NM_000465.4 (MANE Select); coding-DNA position 2242, G replaced by A.
Protein change: p.Glu748Lys; replaces glutamic acid 748 with lysine.
Molecular consequence: missense variant. On other transcripts: non-coding transcript variant (3).
Genome position (GRCh38, 1-based): chr2:214,728,768, C>T on the plus strand (G>A on the coding strand, the complement: BARD1 is on the minus strand). VCF-style: chr2-214728768-C-T. GRCh37 (hg19) VCF-style: chr2-215593492-C-T.
Other names: c.2185G>A, p.Glu729Lys (NM_001282543.2); c.889G>A, p.Glu297Lys (NM_001282545.2); c.832G>A, p.Glu278Lys (NM_001282548.2); c.703G>A, p.Glu235Lys (NM_001282549.2); short protein forms E748K, E278K, E729K, E235K, E297K.
Identifiers: ClinVar variation 243117 (VCV000243117.14), dbSNP rs879253880, ClinGen allele CA10584170.
Genomic context (GRCh38, chr2:214,728,768, plus strand): 5'-TCACACAGTCTATAAACCAGCTCGAAGGAGCCTTCCAGACTTTGCCCTGCCGAACCCTCT[C>T]TGGGTGATAATTACACAAATCTTCATAGATGATATACTGTGTGCAGAAGCGCTGATCAGA-3'
Protein context (NP_000456.2, residues 738-758): IYEDLCNYHP[Glu748Lys]RVRQGKVWKA